The following is an entry in ClinVar:

ClinVar aggregate classification (germline): Uncertain significance (1 of 4 stars; one submission).

Conditions:
Peroxisome biogenesis disorder. Identifiers: Orphanet 79189, MedGen C1832200, MONDO:0019234. Disease mechanism: loss of function.

Submission:

Labcorp Genetics (formerly Invitae), Labcorp
Classification: Uncertain significance for Peroxisome biogenesis disorder. Last evaluated: 2021-01-15. Review status: criteria provided, single submitter. Criteria: Invitae Variant Classification Sherloc (09022015). Collection method: clinical testing. Allele origin: germline.
Comment: This sequence change replaces cysteine with tyrosine at codon 627 of the PEX6 protein (p.Cys627Tyr). The cysteine residue is weakly conserved and there is a large physicochemical difference between cysteine and tyrosine. This variant is not present in population databases (ExAC no frequency). This variant has not been reported in the literature in individuals with PEX6-related conditions. Algorithms developed to predict the effect of missense changes on protein structure and function are either unavailable or do not agree on the potential impact of this missense change (SIFT: "Deleterious"; PolyPhen-2: "Possibly Damaging"; Align-GVGD: "Class C0"). In summary, the available evidence is currently insufficient to determine the role of this variant in disease. Therefore, it has been classified as a Variant of Uncertain Significance.

NM_000287.4(PEX6):c.1880G>A (p.Cys627Tyr)

Gene: PEX6 (peroxisomal biogenesis factor 6; minus strand). Cytogenetic location: 6p21.1.
Variant type: single nucleotide variant.
Coding change: c.1880G>A on transcript NM_000287.4 (MANE Select); coding-DNA position 1880, G replaced by A.
Protein change: p.Cys627Tyr; replaces cysteine 627 with tyrosine.
Molecular consequence: missense variant. On other transcripts: non-coding transcript variant (1).
Genome position (GRCh38, 1-based): chr6:42,967,372, C>T on the plus strand (G>A on the coding strand, the complement: PEX6 is on the minus strand). VCF-style: chr6-42967372-C-T. GRCh37 (hg19) VCF-style: chr6-42935110-C-T.
Other names: c.1616G>A, p.Cys539Tyr (NM_001316313.2); short protein forms C627Y, C539Y.
Identifiers: ClinVar variation 1400202 (VCV001400202.8), dbSNP rs2114242285, ClinGen allele CA364153356.